The following is an entry in ClinVar:

NM_002516.4(NOVA2):c.12G>A (p.Glu4=)

Gene: NOVA2 (NOVA alternative splicing regulator 2; minus strand). Cytogenetic location: 19q13.32.
Variant type: single nucleotide variant.
Coding change: c.12G>A on transcript NM_002516.4 (MANE Select); coding-DNA position 12, G replaced by A.
Protein change: p.Glu4=; no amino-acid change (glutamic acid 4 retained).
Molecular consequence: synonymous variant.
Genome position (GRCh38, 1-based): chr19:45,973,340, C>T on the plus strand (G>A on the coding strand, the complement: NOVA2 is on the minus strand). VCF-style: chr19-45973340-C-T. GRCh37 (hg19) VCF-style: chr19-46476598-C-T.
Identifiers: ClinVar variation 1879446 (VCV001879446.29), dbSNP rs777493618, ClinGen allele CA9525510.
Genomic context (GRCh38, chr19:45,973,340, plus strand): 5'-GCGCTTGGTGCAGACCACCTCGGGGGGCGTTTCGAGGGGCCTCTTGCGGGAATCCGGGGC[C>T]TCGGGCTCCATGGGGGGGGCCTGGGGCGGCGGCTGCTGCTGCTGCGGCGGCTGCGGCGGC-3'
Protein context (NP_002507.1, residues 1-14): MEP[Glu4=]APDSRKRPLE

ClinVar aggregate classification (germline): Likely benign (1 of 4 stars; one submission).

Allele frequency attached by ClinVar (database versions not stated): gnomAD 0.00003; ExAC 0.00008.
gnomAD v4.1: 50 of 1,252,450 alleles (0.004%); highest among the groups gnomAD compares: Non-Finnish European, 0.0046%; no homozygotes.

Submission:

CeGaT Center for Human Genetics Tuebingen
Classification: Likely benign. Last evaluated: 2022-12-01. Review status: criteria provided, single submitter. Criteria: CeGaT Center For Human Genetics Tuebingen Variant Classification Criteria Version 2. Collection method: clinical testing. Allele origin: germline. Affected: yes. Observed: 1 variant allele.
Comment: NOVA2: BP4, BP7